The following is an entry in ClinVar:

ClinVar aggregate classification (germline): Uncertain significance. Review status: criteria provided, multiple submitters, no conflicts (2 of 4 stars). 3 submissions from 3 submitters: Uncertain significance (3). Last evaluated 2025-04-24.

Conditions:
Inborn genetic diseases. Identifiers: MedGen C0950123, MeSH D030342.

Allele frequency attached by ClinVar (database versions not stated): gnomAD 0.00017 and 0.00016; 1000 Genomes Project 30x 0.00031; ExAC 0.00036; gnomAD exomes 0.00023; TOPMed 0.00019; ESP Exome Variant Server 0.00031.
gnomAD v4.1: 361 of 1,596,010 alleles (0.023%); highest among the groups gnomAD compares: Non-Finnish European, 0.027%; no homozygotes.

Submissions (3):

GeneDx
Classification: Uncertain significance. Last evaluated: 2025-04-24. Review status: criteria provided, single submitter. Criteria: GeneDx Variant Classification Process June 2021. Collection method: clinical testing. Allele origin: germline.
Comment: In silico analysis indicates that this missense variant does not alter protein structure/function; Has not been previously published as pathogenic or benign to our knowledge

Labcorp Genetics (formerly Invitae), Labcorp
Classification: Uncertain significance. Last evaluated: 2022-03-24. Review status: criteria provided, single submitter. Criteria: Invitae Variant Classification Sherloc (09022015). Collection method: clinical testing. Allele origin: germline.
Comment: This sequence change replaces tyrosine, which is neutral and polar, with asparagine, which is neutral and polar, at codon 2222 of the OTOGL protein (p.Tyr2222Asn). This variant is present in population databases (rs199811430, gnomAD 0.04%). This variant has not been reported in the literature in individuals affected with OTOGL-related conditions. Algorithms developed to predict the effect of missense changes on protein structure and function are either unavailable or do not agree on the potential impact of this missense change (SIFT: "Tolerated"; PolyPhen-2: "Possibly Damaging"; Align-GVGD: "Class C0"). In summary, the available evidence is currently insufficient to determine the role of this variant in disease. Therefore, it has been classified as a Variant of Uncertain Significance.

Ambry Genetics
Classification: Uncertain significance for Inborn genetic diseases. Last evaluated: 2021-06-11. Review status: criteria provided, single submitter. Criteria: Ambry Variant Classification Scheme 2023. Collection method: clinical testing. Allele origin: germline.

NM_001378609.3(OTOGL):c.6691T>A (p.Tyr2231Asn)

Gene: OTOGL (otogelin like; plus strand). Cytogenetic location: 12q21.31.
Variant type: single nucleotide variant.
Coding change: c.6691T>A on transcript NM_001378609.3 (MANE Select); coding-DNA position 6691, T replaced by A.
Protein change: p.Tyr2231Asn; replaces tyrosine 2231 with asparagine.
Molecular consequence: missense variant.
Genome position (GRCh38, 1-based): chr12:80,370,645, T>A. VCF-style: chr12-80370645-T-A. GRCh37 (hg19) VCF-style: chr12-80764425-T-A.
Other names: c.6556T>A, p.Tyr2186Asn (NM_001368062.3); c.6691T>A, p.Tyr2231Asn (NM_001378610.3, NM_173591.7); short protein forms Y2231N, Y2186N.
Identifiers: ClinVar variation 1504352 (VCV001504352.8), dbSNP rs199811430, ClinGen allele CA6702111.